The following is an entry in ClinVar:

ClinVar aggregate classification (germline): Uncertain significance. Review status: criteria provided, multiple submitters, no conflicts (2 of 4 stars). 2 submissions from 2 submitters: Uncertain significance (2). Last evaluated 2025-12-09.

Conditions:
Long QT syndrome (LQTS). Identifiers: MedGen C0023976, MeSH D008133, MONDO:0002442. Disease mechanism: loss of function. Inheritance: Various modes of inheritance.
Cardiovascular phenotype. Identifiers: MedGen CN230736.

Allele frequency attached by ClinVar (database versions not stated): gnomAD exomes 0.00001 and 0.00002; TOPMed 0.00002; ExAC 0.00003.
gnomAD v4.1: 11 of 1,613,610 alleles (0.00068%); highest among the groups gnomAD compares: South Asian, 0.0088%; no homozygotes.

Submissions (2):

Labcorp Genetics (formerly Invitae), Labcorp
Classification: Uncertain significance for Long QT syndrome. Last evaluated: 2025-12-09. Review status: criteria provided, single submitter. Criteria: Invitae Variant Classification Sherloc (09022015). Collection method: clinical testing. Allele origin: germline.
Comment: This sequence change replaces cysteine, which is neutral and slightly polar, with arginine, which is basic and polar, at codon 19 of the CAV3 protein (p.Cys19Arg). This variant is present in population databases (rs760170984, gnomAD 0.02%). This variant has not been reported in the literature in individuals affected with CAV3-related conditions. ClinVar contains an entry for this variant (Variation ID: 1039643). An algorithm developed to predict the effect of missense changes on protein structure and function (PolyPhen-2) suggests that this variant is likely to be tolerated. In summary, the available evidence is currently insufficient to determine the role of this variant in disease. Therefore, it has been classified as a Variant of Uncertain Significance.

Ambry Genetics
Classification: Uncertain significance for Cardiovascular phenotype. Last evaluated: 2021-01-13. Review status: criteria provided, single submitter. Criteria: Ambry Variant Classification Scheme 2023. Collection method: clinical testing. Allele origin: germline.
Comment: The p.C19R variant (also known as c.55T>C), located in coding exon 1 of the CAV3 gene, results from a T to C substitution at nucleotide position 55. The cysteine at codon 19 is replaced by arginine, an amino acid with highly dissimilar properties. This amino acid position is poorly conserved in available vertebrate species. In addition, this alteration is predicted to be tolerated by in silico analysis. Since supporting evidence is limited at this time, the clinical significance of this alteration remains unclear.

NM_033337.3(CAV3):c.55T>C (p.Cys19Arg)

Gene: CAV3 (caveolin 3; plus strand). Cytogenetic location: 3p25.3.
Variant type: single nucleotide variant.
Coding change: c.55T>C on transcript NM_033337.3 (MANE Select); coding-DNA position 55, T replaced by C.
Protein change: p.Cys19Arg; replaces cysteine 19 with arginine.
Molecular consequence: missense variant.
Genome position (GRCh38, 1-based): chr3:8,733,931, T>C. VCF-style: chr3-8733931-T-C. GRCh37 (hg19) VCF-style: chr3-8775617-T-C.
Other names: c.55T>C, p.Cys19Arg (NM_001234.5); short protein forms C19R.
Identifiers: ClinVar variation 1039643 (VCV001039643.7), dbSNP rs760170984, ClinGen allele CA2236281.